The following is an entry in ClinVar:

ClinVar aggregate classification (germline): Uncertain significance (1 of 4 stars; one submission).

gnomAD v4.1: 2 of 1,565,642 alleles (0.00013%); highest among the groups gnomAD compares: African/African-American, 0.0014%; no homozygotes.

Submission:

Ambry Genetics
Classification: Uncertain significance. Last evaluated: 2025-01-10. Review status: criteria provided, single submitter. Criteria: Ambry Variant Classification Scheme 2023. Collection method: clinical testing. Allele origin: germline.
Comment: The p.A2104V variant (also known as c.6311C>T), located in coding exon 27 of the WNK2 gene, results from a C to T substitution at nucleotide position 6311. The alanine at codon 2104 is replaced by valine, an amino acid with similar properties. This amino acid position is conserved. In addition, this alteration is predicted to be tolerated by in silico analysis. Based on the available evidence, the clinical significance of this variant remains unclear.

NM_006648.4(WNK2):c.6311C>T (p.Ala2104Val)

Gene: WNK2 (WNK lysine deficient protein kinase 2; plus strand). Cytogenetic location: 9q22.31.
Variant type: single nucleotide variant.
Coding change: c.6311C>T on transcript NM_006648.4 (MANE Select); coding-DNA position 6311, C replaced by T.
Protein change: p.Ala2104Val; replaces alanine 2104 with valine.
Molecular consequence: missense variant.
Genome position (GRCh38, 1-based): chr9:93,308,379, C>T. VCF-style: chr9-93308379-C-T. GRCh37 (hg19) VCF-style: chr9-96070661-C-T.
Other names: c.6422C>T, p.Ala2141Val (NM_001282394.3); short protein forms A2141V, A2104V.
Identifiers: ClinVar variation 3816797 (VCV003816797.1).